The following is an entry in ClinVar:

NM_014806.5(RUSC2):c.2476C>T (p.Arg826Trp)

Gene: RUSC2 (RUN and SH3 domain containing 2; plus strand). Cytogenetic location: 9p13.3.
Variant type: single nucleotide variant.
Coding change: c.2476C>T on transcript NM_014806.5 (MANE Select); coding-DNA position 2476, C replaced by T.
Protein change: p.Arg826Trp; replaces arginine 826 with tryptophan.
Molecular consequence: missense variant. On other transcripts: 5 prime UTR variant (1), non-coding transcript variant (1).
Genome position (GRCh38, 1-based): chr9:35,555,521, C>T. VCF-style: chr9-35555521-C-T. GRCh37 (hg19) VCF-style: chr9-35555518-C-T.
Other names: c.2476C>T, p.Arg826Trp (NM_001135999.2); c.-159C>T (NM_001330740.2); c.2476C>T (NM_001135999.1); short protein forms R826W.
Identifiers: ClinVar variation 2176374 (VCV002176374.2), dbSNP rs375480855, ClinGen allele CA5043874.

ClinVar aggregate classification (germline): Uncertain significance. Review status: criteria provided, multiple submitters, no conflicts (2 of 4 stars). 2 submissions from 2 submitters: Uncertain significance (2). Last evaluated 2023-12-09.

Allele frequency attached by ClinVar (database versions not stated): ExAC 0.00002; gnomAD 0.00007; ESP Exome Variant Server 0.00008; gnomAD exomes 0.00008.
gnomAD v4.1: 135 of 1,614,050 alleles (0.0084%); highest among the groups gnomAD compares: Non-Finnish European, 0.01%; no homozygotes.

Submissions (2):

Ambry Genetics
Classification: Uncertain significance. Last evaluated: 2023-12-09. Review status: criteria provided, single submitter. Criteria: Ambry Variant Classification Scheme 2023. Collection method: clinical testing. Allele origin: germline.

Labcorp Genetics (formerly Invitae), Labcorp
Classification: Uncertain significance. Last evaluated: 2022-06-14. Review status: criteria provided, single submitter. Criteria: Invitae Variant Classification Sherloc (09022015). Collection method: clinical testing. Allele origin: germline.
Comment: This sequence change replaces arginine, which is basic and polar, with tryptophan, which is neutral and slightly polar, at codon 826 of the RUSC2 protein (p.Arg826Trp). This variant is present in population databases (rs375480855, gnomAD 0.009%). This variant has not been reported in the literature in individuals affected with RUSC2-related conditions. Algorithms developed to predict the effect of missense changes on protein structure and function are either unavailable or do not agree on the potential impact of this missense change (SIFT: "Deleterious"; PolyPhen-2: "Possibly Damaging"; Align-GVGD: "Class C0"). In summary, the available evidence is currently insufficient to determine the role of this variant in disease. Therefore, it has been classified as a Variant of Uncertain Significance.